The following is an entry in ClinVar:

ClinVar aggregate classification (germline): Pathogenic (1 of 4 stars; one submission).

Conditions:
MHC class II deficiency. Also called: BLS, TYPE II; Bare lymphocyte syndrome 2. Identifiers: Orphanet 572, MedGen C5447452, MONDO:0008855.

Submission:

Labcorp Genetics (formerly Invitae), Labcorp
Classification: Pathogenic for MHC class II deficiency. Last evaluated: 2025-12-24. Review status: criteria provided, single submitter. Criteria: Invitae Variant Classification Sherloc (09022015). Collection method: clinical testing. Allele origin: germline.
Comment: This sequence change creates a premature translational stop signal (p.Asp255Thrfs*16) in the RFX5 gene. It is expected to result in an absent or disrupted protein product. Loss-of-function variants in RFX5 are known to be pathogenic (PMID: 7744245, 9401005, 10079298). This variant is not present in population databases (gnomAD no frequency). This variant has not been reported in the literature in individuals affected with RFX5-related conditions. For these reasons, this variant has been classified as Pathogenic.

Literature cited by the submitters: PubMed 7744245; PubMed 9401005; PubMed 10079298.

NM_001025603.2(RFX5):c.763del (p.Asp255fs)

Gene: RFX5 (regulatory factor X5; minus strand). Cytogenetic location: 1q21.3.
Variant type: Deletion.
Coding change: c.763del on transcript NM_001025603.2 (MANE Select); coding-DNA position 763, one base deleted (G; older notation c.763delG).
Protein change: p.Asp255fs; shifts the reading frame from aspartic acid 255.
Molecular consequence: frameshift variant.
Genome position (GRCh38, 1-based): chr1:151,343,437, C deleted on the plus strand (G on the coding strand, the reverse complement: RFX5 is on the minus strand); the first of 2 consecutive C bases (chr1:151,343,437-151,343,438); deleting either gives the same sequence. VCF-style (leftmost placement, unchanged base first): chr1-151343436-TC-T. GRCh37 (hg19) VCF-style: chr1-151315912-TC-T.
Other names: c.763del, p.Asp255fs (NM_001379414.1, NM_001379415.1, NM_001379416.1 and 5 more transcripts); c.643del, p.Asp215fs (NM_001379419.1, NM_001379420.1); short protein forms D215fs, D255fs.
Identifiers: ClinVar variation 4734136 (VCV004734136.1).